The following is an entry in ClinVar:

NM_001035.3(RYR2):c.1477-12_1477-11del

Gene: RYR2 (ryanodine receptor 2; plus strand). Cytogenetic location: 1q43.
Variant type: Deletion.
Coding change: c.1477-12_1477-11del on transcript NM_001035.3 (MANE Select); 12 bases into the intron before coding-DNA position 1477 through 11 bases into the intron before coding-DNA position 1477, 2 bases deleted (TT; older notation c.1477-12_1477-11delTT).
Molecular consequence: intron variant.
Genome position (GRCh38, 1-based): chr1:237,456,588-237,456,589, TT deleted; deleting any 2 consecutive bases within chr1:237,456,576-237,456,589 gives the same sequence; the c. name uses the placement nearest the transcript's 3' end. VCF-style (leftmost placement, unchanged base first): chr1-237456575-ATT-A. GRCh37 (hg19) VCF-style: chr1-237619875-ATT-A.
Identifiers: ClinVar variation 928598 (VCV000928598.1), dbSNP rs397516518, ClinGen allele CA1474919.

ClinVar aggregate classification (germline): Benign (1 of 4 stars; one submission).

Submission:

Women's Health and Genetics/Laboratory Corporation of America, LabCorp
Classification: Benign. Last evaluated: 2019-11-17. Review status: criteria provided, single submitter. Criteria: LabCorp Variant Classification Summary - May 2015. Collection method: clinical testing. Allele origin: germline.
Comment: Variant summary: RYR2 c.1477-12_1477-11delTT alters a nucleotide located close to a canonical splice site and therefore could affect mRNA splicing, leading to a significantly altered protein sequence. Several computational tools predict a significant impact on normal splicing: Five predict the variant no significant impact on splicing. However, these predictions have yet to be confirmed by functional studies. The variant allele was found at a frequency of 0.019 in 142038 control chromosomes, predominantly at a frequency of 0.032 within the Latino subpopulation in the gnomAD database. The observed variant frequency within Latino control individuals in the gnomAD database is approximately 533-folds over the estimated maximal expected allele frequency for a pathogenic variant in RYR2 causing Arrhythmia phenotype (6e-05), strongly suggesting that the variant is a benign polymorphism found primarily in populations of Latino origin. To our knowledge, no occurrence of c.1477-12_1477-11delTT in individuals affected with Arrhythmia and no experimental evidence demonstrating its impact on protein function have been reported. No clinical diagnostic laboratories have submitted clinical-significance assessments for this variant to ClinVar after 2014. Based on the evidence outlined above, the variant was classified as benign.